The following is an entry in ClinVar:

ClinVar aggregate classification (germline): Likely benign (0 of 4 stars; one submission).

Conditions:
MYOM2-related disorder. Also called: MYOM2-related condition.

Allele frequency attached by ClinVar (database versions not stated): gnomAD exomes 0.00006; 1000 Genomes Project 30x 0.00016; 1000 Genomes Project 0.00020; gnomAD 0.00058; TOPMed 0.00058; ESP Exome Variant Server 0.00069.
gnomAD v4.1: 171 of 1,614,106 alleles (0.011%); highest among the groups gnomAD compares: African/African-American, 0.2%; no homozygotes.

Submission:

PreventionGenetics, part of Exact Sciences
Classification: Likely benign for MYOM2-related condition. Last evaluated: 2022-08-02. Review status: no assertion criteria provided. Collection method: clinical testing. Allele origin: germline.
Comment: This variant is classified as likely benign based on ACMG/AMP sequence variant interpretation guidelines (Richards et al. 2015 PMID: 25741868, with internal and published modifications).

NM_003970.4(MYOM2):c.4336G>A (p.Ala1446Thr)

Gene: MYOM2 (myomesin 2; plus strand). Cytogenetic location: 8p23.3.
Variant type: single nucleotide variant.
Coding change: c.4336G>A on transcript NM_003970.4 (MANE Select); coding-DNA position 4336, G replaced by A.
Protein change: p.Ala1446Thr; replaces alanine 1446 with threonine.
Molecular consequence: missense variant.
Genome position (GRCh38, 1-based): chr8:2,144,919, G>A. VCF-style: chr8-2144919-G-A. GRCh37 (hg19) VCF-style: chr8-2092843-G-A.
Other names: short protein forms A1446T.
Identifiers: ClinVar variation 3050710 (VCV003050710.2), dbSNP rs151252256, ClinGen allele CA170467323.